The following is an entry in ClinVar:

ClinVar aggregate classification (germline): Uncertain significance. Review status: criteria provided, multiple submitters, no conflicts (2 of 4 stars). 4 submissions from 4 submitters: Uncertain significance (4). Last evaluated 2025-01-06.

Conditions:
Inborn genetic diseases. Identifiers: MedGen C0950123, MeSH D030342.
Hepatic veno-occlusive disease-immunodeficiency syndrome. Also called: Hepatic Veno-Occlusive Disease with Immunodeficiency. Identifiers: Orphanet 79124, MedGen C1856128, MONDO:0009338, OMIM 235550. Disease mechanism: loss of function.

Allele frequency attached by ClinVar (database versions not stated): gnomAD exomes 0.00005 and 0.00009; ExAC 0.00010; 1000 Genomes Project 30x 0.00016; 1000 Genomes Project 0.00020; ESP Exome Variant Server 0.00023; gnomAD 0.00044 and 0.00049; TOPMed 0.00048.
gnomAD v4.1: 150 of 1,614,014 alleles (0.0093%); highest among the groups gnomAD compares: African/African-American, 0.15%; 1 homozygote.

Submissions (4):

Labcorp Genetics (formerly Invitae), Labcorp
Classification: Uncertain significance for Hepatic veno-occlusive disease-immunodeficiency syndrome. Last evaluated: 2025-01-06. Review status: criteria provided, single submitter. Criteria: Invitae Variant Classification Sherloc (09022015). Collection method: clinical testing. Allele origin: germline.
Comment: This sequence change replaces tyrosine, which is neutral and polar, with histidine, which is basic and polar, at codon 110 of the SP110 protein (p.Tyr110His). This variant is present in population databases (rs200651686, gnomAD 0.1%). This variant has not been reported in the literature in individuals affected with SP110-related conditions. ClinVar contains an entry for this variant (Variation ID: 959395). An algorithm developed to predict the effect of missense changes on protein structure and function outputs the following: PolyPhen-2: "Benign". The histidine amino acid residue is found in multiple mammalian species, which suggests that this missense change does not adversely affect protein function. In summary, the available evidence is currently insufficient to determine the role of this variant in disease. Therefore, it has been classified as a Variant of Uncertain Significance.

Ambry Genetics
Classification: Uncertain significance for Inborn genetic diseases. Last evaluated: 2021-07-26. Review status: criteria provided, single submitter. Criteria: Ambry Variant Classification Scheme 2023. Collection method: clinical testing. Allele origin: germline.

Baylor Genetics
Classification: Uncertain significance for Hepatic veno-occlusive disease-immunodeficiency syndrome. Last evaluated: 2018-04-19. Review status: criteria provided, single submitter. Criteria: ACMG Guidelines, 2015. Collection method: clinical testing. Allele origin: unknown. Affected: yes.
Comment: This variant was determined to be of uncertain significance according to ACMG Guidelines, 2015 [PMID:25741868].

Breakthrough Genomics
Classification: Uncertain significance. Review status: criteria provided, single submitter. Criteria: ACMG Guidelines, 2015. Collection method: not provided. Allele origin: germline. Inheritance: Autosomal recessive inheritance. Affected: yes.

NM_080424.4(SP110):c.328T>C (p.Tyr110His)

Genes: SP140 (SP140 nuclear body protein; plus strand), SP110 (SP110 nuclear body protein; minus strand). Cytogenetic location: 2q37.1.
Variant type: single nucleotide variant.
Coding change: c.328T>C on transcript NM_080424.4 (MANE Select); coding-DNA position 328, T replaced by C.
Protein change: p.Tyr110His; replaces tyrosine 110 with histidine.
Molecular consequence: missense variant.
Genome position (GRCh38, 1-based): chr2:230,213,016, A>G on the plus strand (T>C on the coding strand, the complement: SP110 is on the minus strand). VCF-style: chr2-230213016-A-G. GRCh37 (hg19) VCF-style: chr2-231077731-A-G.
Other names: c.346T>C, p.Tyr116His (NM_001185015.2, NM_001378442.1, NM_001378444.1 and 2 more transcripts); c.328T>C, p.Tyr110His (NM_001378443.1, NM_001378447.1, NM_004509.5 and 1 more transcripts); short protein forms Y110H, Y116H.
Identifiers: ClinVar variation 959395 (VCV000959395.11), dbSNP rs200651686, ClinGen allele CA2154853.